The following is an entry in ClinVar:

NM_000232.5(SGCB):c.366_367dup (p.Tyr123fs)

Gene: SGCB (sarcoglycan beta; minus strand). Cytogenetic location: 4q12.
Variant type: Duplication.
Coding change: c.366_367dup on transcript NM_000232.5 (MANE Select); coding-DNA positions 366 to 367, 2 bases duplicated (TT; older notation c.366_367dupTT).
Protein change: p.Tyr123fs; shifts the reading frame from tyrosine 123.
Molecular consequence: frameshift variant.
Genome position (GRCh38, 1-based): chr4:52,029,740-52,029,741, AA duplicated on the plus strand (TT on the coding strand, the reverse complement: SGCB is on the minus strand); duplicating any 2 consecutive bases within chr4:52,029,740-52,029,742 gives the same sequence; the c. name uses the placement nearest the transcript's 3' end. VCF-style (leftmost placement, unchanged base first): chr4-52029739-T-TAA. GRCh37 (hg19) VCF-style: chr4-52895905-T-TAA.
Other names: c.156_157dup, p.Tyr53fs (NM_001440519.1); c.69_70dup, p.Tyr24fs (NM_001440520.1); short protein forms Y123fs, Y24fs, Y53fs.
Identifiers: ClinVar variation 5013945 (VCV005013945.1).

ClinVar aggregate classification (germline): Pathogenic (1 of 4 stars; one submission).

Conditions:
Autosomal recessive limb-girdle muscular dystrophy type 2E (LGMDR4). Also called: MUSCULAR DYSTROPHY, LIMB-GIRDLE, AUTOSOMAL RECESSIVE 4. Identifiers: Orphanet 119, MedGen C1858593, MONDO:0011423, OMIM 604286. Disease mechanism: Affects gamma-sarcoglycan and also disrupts the integrity of the entire sarcoglycan complex..

Submission:

Myriad Genetics, Inc.
Classification: Pathogenic for Autosomal recessive limb-girdle muscular dystrophy type 2E. Last evaluated: 2025-01-10. Review status: criteria provided, single submitter. Criteria: Myriad Autosomal Dominant, Autosomal Recessive and X-Linked Classification Criteria (2023). Collection method: clinical testing. Allele origin: unknown.
Comment: NM_000232.4(SGCB):c.366_367dupTT(Y123Ffs*6) is expected to be pathogenic in the context of beta-sarcoglycanopathy. This variant is predicted to lead to an abnormal or absent protein product due to the creation of a premature termination codon in SGCB, a gene where loss-of-function variants are known to be pathogenic. Please note: this variant was assessed in the context of healthy population screening.